The following is an entry in ClinVar:

ClinVar aggregate classification (germline): Likely benign (0 of 4 stars; one submission).

Conditions:
INTS6-related disorder. Also called: INTS6-related condition.

Allele frequency attached by ClinVar (database versions not stated): 1000 Genomes Project 0.00060; 1000 Genomes Project 30x 0.00062; ESP Exome Variant Server 0.00069; ExAC 0.00070.
gnomAD v4.1: 683 of 1,594,134 alleles (0.043%); highest among the groups gnomAD compares: Middle Eastern, 0.49%; 2 homozygotes.

Submission:

PreventionGenetics, part of Exact Sciences
Classification: Likely benign for INTS6-related condition. Last evaluated: 2019-07-30. Review status: no assertion criteria provided. Collection method: clinical testing. Allele origin: germline.
Comment: This variant is classified as likely benign based on ACMG/AMP sequence variant interpretation guidelines (Richards et al. 2015 PMID: 25741868, with internal and published modifications).

NM_012141.3(INTS6):c.2535A>G (p.Leu845=)

Gene: INTS6 (integrator complex subunit 6; minus strand). Cytogenetic location: 13q14.3.
Variant type: single nucleotide variant.
Coding change: c.2535A>G on transcript NM_012141.3 (MANE Select); coding-DNA position 2535, A replaced by G.
Protein change: p.Leu845=; no amino-acid change (leucine 845 retained).
Molecular consequence: synonymous variant.
Genome position (GRCh38, 1-based): chr13:51,367,840, T>C on the plus strand (A>G on the coding strand, the complement: INTS6 is on the minus strand). VCF-style: chr13-51367840-T-C. GRCh37 (hg19) VCF-style: chr13-51941976-T-C.
Other names: c.2496A>G, p.Leu832= (NM_001039937.2); c.2001A>G, p.Leu667= (NM_001306091.2).
Identifiers: ClinVar variation 3034712 (VCV003034712.2), dbSNP rs149924575, ClinGen allele CA6986697.
Genomic context (GRCh38, chr13:51,367,840, plus strand): 5'-TCATTATATGCAATAGTTTATTTACCTTGATGCTTCTTTAATGACATTTTGTAAAAATAT[T>C]AGTCTTGTTTGTAAACTGCCTTGCACATGCTTCAGTAAAGTGAAGATTCTTTCATATTCT-3'
Protein context (NP_036273.1, residues 835-855): KHVQGSLQTR[Leu845=]IFLQNVIKEA